The following is an entry in ClinVar:

ClinVar aggregate classification (germline): Uncertain significance (1 of 4 stars; one submission).

Submission:

GeneDx
Classification: Uncertain significance. Last evaluated: 2022-05-27. Review status: criteria provided, single submitter. Criteria: GeneDx Variant Classification Process June 2021. Collection method: clinical testing. Allele origin: germline. Affected: yes.
Comment: Not observed in large population cohorts (gnomAD); In silico analysis, which includes protein predictors and evolutionary conservation, supports that this variant does not alter protein structure/function; Has not been previously published as pathogenic or benign to our knowledge

NM_017649.5(CNNM2):c.2540C>T (p.Pro847Leu)

Gene: CNNM2 (cyclin and CBS domain divalent metal cation transport mediator 2; plus strand). Cytogenetic location: 10q24.32.
Variant type: single nucleotide variant.
Coding change: c.2540C>T on transcript NM_017649.5 (MANE Select); coding-DNA position 2540, C replaced by T.
Protein change: p.Pro847Leu; replaces proline 847 with leucine.
Molecular consequence: missense variant.
Genome position (GRCh38, 1-based): chr10:103,077,092, C>T. VCF-style: chr10-103077092-C-T. GRCh37 (hg19) VCF-style: chr10-104836849-C-T.
Other names: c.2474C>T, p.Pro825Leu (NM_199076.3); short protein forms P825L, P847L.
Identifiers: ClinVar variation 1312458 (VCV001312458.3), dbSNP rs2134373244, ClinGen allele CA377964971.
Genomic context (GRCh38, chr10:103,077,092, plus strand): 5'-CTTCAGACAGTGAAAACACTAAAATCGAATTGACTCTTACGGAGCTGCATGACGGGTTGC[C>T]AGACGAGACAGCCAACCTGCTCAACGAACAGAACTGTGTGACGCACAGTAAGGCCAACCA-3'
Protein context (NP_060119.3, residues 837-857): LTLTELHDGL[Pro847Leu]DETANLLNEQ